The following is an entry in ClinVar:

NM_001080.3(ALDH5A1):c.276del (p.Cys93fs)

Genes: ALDH5A1 (aldehyde dehydrogenase 5 family member A1; plus strand), GPLD1 (glycosylphosphatidylinositol specific phospholipase D1; minus strand), LOC129995978 (ATAC-STARR-seq lymphoblastoid silent region 16989; plus strand). Cytogenetic location: 6p22.3.
Variant type: Deletion.
Coding change: c.276del on transcript NM_001080.3 (MANE Select); coding-DNA position 276, one base deleted (C; older notation c.276delC).
Protein change: p.Cys93fs; shifts the reading frame from cysteine 93.
Molecular consequence: frameshift variant.
Genome position (GRCh38, 1-based): chr6:24,495,272, C deleted. VCF-style (leftmost placement, unchanged base first): chr6-24495271-AC-A. GRCh37 (hg19) VCF-style: chr6-24495499-AC-A.
Other names: c.276del, p.Cys93fs (NM_001368954.1, NM_170740.1); short protein forms C93fs.
Identifiers: ClinVar variation 1070905 (VCV001070905.8), dbSNP rs1294269013, ClinGen allele CA566286714.
Genomic context (GRCh38, chr6:24,495,271, plus strand): 5'-CCGCCGCCACCTTCCCCGTGCAAGACCCGGCCAGCGGCGCCGCTCTGGGCATGGTAGCCG[AC>A]TGCGGGGTGCGAGAGGCCCGCGCCGCCGTGCGCGCTGCCTACGAGGCTTTCTGCCGCTGG-3'

ClinVar aggregate classification (germline): Pathogenic (1 of 4 stars; one submission).

Conditions:
Succinate-semialdehyde dehydrogenase deficiency (SSADHD). Also called: Succinic Semialdehyde Dehydrogenase Deficiency; SSADH DEFICIENCY; 4-HYDROXYBUTYRIC ACIDURIA; GABA METABOLIC DEFECT. Identifiers: Orphanet 22, MedGen C0268631, MONDO:0010083, OMIM 271980.

Allele frequency attached by ClinVar (database versions not stated): gnomAD exomes 0.00001.

Submission:

Labcorp Genetics (formerly Invitae), Labcorp
Classification: Pathogenic for Succinate-semialdehyde dehydrogenase deficiency. Last evaluated: 2020-02-25. Review status: criteria provided, single submitter. Criteria: Invitae Variant Classification Sherloc (09022015). Collection method: clinical testing. Allele origin: germline.
Comment: This sequence change creates a premature translational stop signal (p.Cys93Alafs*38) in the ALDH5A1 gene. It is expected to result in an absent or disrupted protein product. The frequency data for this variant in the population databases is considered unreliable, as metrics indicate insufficient coverage at this position in the ExAC database. This variant has not been reported in the literature in individuals with ALDH5A1-related conditions. Loss-of-function variants in ALDH5A1 are known to be pathogenic (PMID: 14635103). For these reasons, this variant has been classified as Pathogenic.

Literature cited by the submitters: PubMed 14635103.